The following is an entry in ClinVar:

NM_139276.3(STAT3):c.587C>A (p.Thr196Asn)

Genes: STAT3 (signal transducer and activator of transcription 3; minus strand), LOC130060889 (ATAC-STARR-seq lymphoblastoid silent region 8525; plus strand). Cytogenetic location: 17q21.2.
Variant type: single nucleotide variant.
Coding change: c.587C>A on transcript NM_139276.3 (MANE Select); coding-DNA position 587, C replaced by A.
Protein change: p.Thr196Asn; replaces threonine 196 with asparagine.
Molecular consequence: missense variant.
Genome position (GRCh38, 1-based): chr17:42,337,821, G>T on the plus strand (C>A on the coding strand, the complement: STAT3 is on the minus strand). VCF-style: chr17-42337821-G-T. GRCh37 (hg19) VCF-style: chr17-40489839-G-T.
Other names: c.587C>A, p.Thr196Asn (NM_001369512.1, NM_001369513.1, NM_001369514.1 and 15 more transcripts); c.509C>A, p.Thr170Asn (NM_001384985.1); c.491C>A, p.Thr164Asn (NM_001384989.1); short protein forms T164N, T170N, T196N.
Identifiers: ClinVar variation 2503385 (VCV002503385.1), dbSNP rs751411956, ClinGen allele CA8575598.

ClinVar aggregate classification (germline): Uncertain significance (1 of 4 stars; one submission).

Allele frequency attached by ClinVar (database versions not stated): gnomAD exomes below 0.00001; ExAC 0.00001.
gnomAD v4.1: 4 of 1,614,234 alleles (0.00025%); highest among the groups gnomAD compares: Non-Finnish European, 0.00034%; no homozygotes.

Submission:

GeneDx
Classification: Uncertain significance. Last evaluated: 2022-11-29. Review status: criteria provided, single submitter. Criteria: GeneDx Variant Classification Process June 2021. Collection method: clinical testing. Allele origin: germline. Affected: yes.
Comment: Not observed at significant frequency in large population cohorts (gnomAD); In silico analysis supports that this missense variant does not alter protein structure/function; Has not been previously published as pathogenic or benign to our knowledge